The following is an entry in ClinVar:

ClinVar aggregate classification (germline): Likely benign. Review status: criteria provided, multiple submitters, no conflicts (2 of 4 stars). 4 submissions from 4 submitters: Likely benign (4). Last evaluated 2025-11-25.

Conditions:
Cardiovascular phenotype. Identifiers: MedGen CN230736.
Cardiomyopathy (CMYO). Also called: Cardiomyopathies. Identifiers: Orphanet 167848, MedGen C0878544, MONDO:0004994, HP:0001638. Inheritance: Various modes of inheritance.
Hypertrophic cardiomyopathy. Also called: HYPERTROPHIC MYOCARDIOPATHY. Identifiers: Orphanet 217569, MedGen C0007194, MeSH D002312, MONDO:0005045, HP:0001639.

Allele frequency attached by ClinVar (database versions not stated): ExAC 0.00001; gnomAD 0.00002; gnomAD exomes 0.00002 and 0.00003; TOPMed 0.00002.
gnomAD v4.1: 50 of 1,603,464 alleles (0.0031%); highest among the groups gnomAD compares: African/African-American, 0.004%; 1 homozygote.

Submissions (4):

Labcorp Genetics (formerly Invitae), Labcorp
Classification: Likely benign for Hypertrophic cardiomyopathy. Last evaluated: 2025-11-25. Review status: criteria provided, single submitter. Criteria: Invitae Variant Classification Sherloc (09022015). Collection method: clinical testing. Allele origin: germline.

Ambry Genetics
Classification: Likely benign for Cardiovascular phenotype. Last evaluated: 2021-10-27. Review status: criteria provided, single submitter. Criteria: Ambry Variant Classification Scheme 2023. Collection method: clinical testing. Allele origin: germline.

Color Diagnostics, LLC DBA Color Health
Classification: Likely benign for Cardiomyopathy. Last evaluated: 2018-12-31. Review status: criteria provided, single submitter. Criteria: ACMG Guidelines, 2015. Collection method: clinical testing. Allele origin: germline.

Laboratory for Molecular Medicine, Mass General Brigham Personalized Medicine
Classification: Likely benign. Last evaluated: 2012-01-20. Review status: criteria provided, single submitter. Criteria: LMM Criteria. Collection method: clinical testing. Allele origin: germline. Observed: 2 variant alleles.
Comment: Gly1154Gly in exon 27 of MYH7: This variant is not expected to have clinical sig nificance because it does not alter an amino acid residue and is not located wit hin the splice consensus sequence. In addition, it has been identified in 1/6582 European American chromosomes by the NHBLI Exome sequencing project in broad po pulation. Gly1154Gly in exon 27 of MYH7 (NHB LI Exome Seq Project; allele frequency = 1/6582)

NM_000257.4(MYH7):c.3462C>T (p.Gly1154=)

Gene: MYH7 (myosin heavy chain 7; minus strand). Cytogenetic location: 14q11.2.
Variant type: single nucleotide variant.
Coding change: c.3462C>T on transcript NM_000257.4 (MANE Select); coding-DNA position 3462, C replaced by T.
Protein change: p.Gly1154=; no amino-acid change (glycine 1154 retained).
Molecular consequence: synonymous variant.
Genome position (GRCh38, 1-based): chr14:23,420,109, G>A on the plus strand (C>T on the coding strand, the complement: MYH7 is on the minus strand). VCF-style: chr14-23420109-G-A. GRCh37 (hg19) VCF-style: chr14-23889318-G-A.
Identifiers: ClinVar variation 42963 (VCV000042963.17), dbSNP rs397516185, ClinGen allele CA013738.